The following is an entry in ClinVar:

NM_001039591.3(USP9X):c.3135A>G (p.Lys1045=)

Gene: USP9X (ubiquitin specific peptidase 9 X-linked; plus strand). Cytogenetic location: Xp11.4.
Variant type: single nucleotide variant.
Coding change: c.3135A>G on transcript NM_001039591.3 (MANE Select); coding-DNA position 3135, A replaced by G.
Protein change: p.Lys1045=; no amino-acid change (lysine 1045 retained).
Molecular consequence: synonymous variant.
Genome position (GRCh38, 1-based): chrX:41,171,945, A>G. VCF-style: chrX-41171945-A-G. GRCh37 (hg19) VCF-style: chrX-41031198-A-G.
Other names: c.3135A>G, p.Lys1045= (NM_001039590.3); c.3150A>G, p.Lys1050= (NM_001410748.1, NM_001410749.1, NM_001437534.1).
Identifiers: ClinVar variation 4085392 (VCV004085392.8).

ClinVar aggregate classification (germline): Uncertain significance (1 of 4 stars; one submission).

Submission:

CeGaT Center for Human Genetics Tuebingen
Classification: Uncertain significance. Last evaluated: 2025-07-01. Review status: criteria provided, single submitter. Criteria: CeGaT Center For Human Genetics Tuebingen Variant Classification Criteria Version 2. Collection method: clinical testing. Allele origin: germline. Affected: yes. Observed: 1 variant allele.
Comment: USP9X: PM2:Supporting, BP4